The following is an entry in ClinVar:

ClinVar aggregate classification (germline): Uncertain significance (1 of 4 stars; one submission).

gnomAD v4.1: 2 of 1,603,956 alleles (0.00012%); highest among the groups gnomAD compares: Admixed American, 0.0017%; no homozygotes.

Submission:

Labcorp Genetics (formerly Invitae), Labcorp
Classification: Uncertain significance. Last evaluated: 2024-09-04. Review status: criteria provided, single submitter. Criteria: Invitae Variant Classification Sherloc (09022015). Collection method: clinical testing. Allele origin: germline.
Comment: This sequence change affects an acceptor splice site in intron 6 of the CEP89 gene. It is expected to disrupt RNA splicing. Variants that disrupt the donor or acceptor splice site typically lead to a loss of protein function (PMID: 16199547), however the current clinical and genetic evidence is not sufficient to establish whether loss-of-function variants in CEP89 cause disease. This variant is present in population databases (no rsID available, gnomAD 0.003%). This variant has not been reported in the literature in individuals affected with CEP89-related conditions. Algorithms developed to predict the effect of sequence changes on RNA splicing suggest that this variant may disrupt the consensus splice site. In summary, the available evidence is currently insufficient to determine the role of this variant in disease. Therefore, it has been classified as a Variant of Uncertain Significance.

Literature cited by the submitters: PubMed 16199547.

NM_032816.5(CEP89):c.625-1G>A

Gene: CEP89 (centrosomal protein 89; minus strand). Cytogenetic location: 19q13.11.
Variant type: single nucleotide variant.
Coding change: c.625-1G>A on transcript NM_032816.5 (MANE Select); the canonical splice acceptor site of the intron before coding-DNA position 625, G replaced by A.
Molecular consequence: splice acceptor variant.
Genome position (GRCh38, 1-based): chr19:32,937,674, C>T on the plus strand (G>A on the coding strand, the complement: CEP89 is on the minus strand). VCF-style: chr19-32937674-C-T. GRCh37 (hg19) VCF-style: chr19-33428580-C-T.
Identifiers: ClinVar variation 3612181 (VCV003612181.2).